The following is an entry in ClinVar:

ClinVar aggregate classification (germline): Uncertain significance (1 of 4 stars; one submission).

Conditions:
Ataxia-telangiectasia syndrome (AT). Also called: ATAXIA-TELANGIECTASIA, COMPLEMENTATION GROUP A; ATAXIA-TELANGIECTASIA, FRESNO VARIANT; Ataxia-telangiectasia; Ataxia-telangiectasia, complementation group E; Ataxia telangiectasia (A-T); LOUIS-BAR SYNDROME. Identifiers: Orphanet 100, MedGen C0004135, MONDO:0008840, OMIM 208900.

Submission:

Labcorp Genetics (formerly Invitae), Labcorp
Classification: Uncertain significance for Ataxia-telangiectasia syndrome. Last evaluated: 2024-11-12. Review status: criteria provided, single submitter. Criteria: Invitae Variant Classification Sherloc (09022015). Collection method: clinical testing. Allele origin: germline.
Comment: This sequence change replaces serine, which is neutral and polar, with tyrosine, which is neutral and polar, at codon 200 of the ATM protein (p.Ser200Tyr). This variant is not present in population databases (gnomAD no frequency). This variant has not been reported in the literature in individuals affected with ATM-related conditions. Invitae Evidence Modeling of protein sequence and biophysical properties (such as structural, functional, and spatial information, amino acid conservation, physicochemical variation, residue mobility, and thermodynamic stability) indicates that this missense variant is not expected to disrupt ATM protein function with a negative predictive value of 95%. In summary, the available evidence is currently insufficient to determine the role of this variant in disease. Therefore, it has been classified as a Variant of Uncertain Significance.

NM_000051.4(ATM):c.599C>A (p.Ser200Tyr)

Gene: ATM (ATM serine/threonine kinase; plus strand). Cytogenetic location: 11q22.3.
Variant type: single nucleotide variant.
Coding change: c.599C>A on transcript NM_000051.4 (MANE Select); coding-DNA position 599, C replaced by A.
Protein change: p.Ser200Tyr; replaces serine 200 with tyrosine.
Molecular consequence: missense variant.
Genome position (GRCh38, 1-based): chr11:108,244,055, C>A. VCF-style: chr11-108244055-C-A. GRCh37 (hg19) VCF-style: chr11-108114782-C-A.
Other names: c.599C>A, p.Ser200Tyr (NM_001351834.2); short protein forms S200Y.
Identifiers: ClinVar variation 3720432 (VCV003720432.2).